The following is an entry in ClinVar:

ClinVar aggregate classification (germline): Conflicting classifications of pathogenicity. Review status: criteria provided, conflicting classifications (1 of 4 stars). 8 submissions from 8 submitters: Uncertain significance (1); Benign (4); Likely benign (3). Last evaluated 2026-03-01.

Conditions:
Inborn genetic diseases. Identifiers: MedGen C0950123, MeSH D030342.
Cortical dysplasia-focal epilepsy syndrome (PTHSL1). Also called: Pitt-Hopkins-like syndrome 1. Identifiers: Orphanet 163681, Orphanet 221150, MedGen C2750246, MONDO:0012400, OMIM 610042.

Allele frequency attached by ClinVar (database versions not stated): gnomAD exomes 0.00033 and 0.00096; ExAC 0.00119; 1000 Genomes Project 0.00339; 1000 Genomes Project 30x 0.00375; gnomAD 0.00383 and 0.00417; TOPMed 0.00469; ESP Exome Variant Server 0.00515.
gnomAD v4.1: 1,095 of 1,613,876 alleles (0.068%); highest among the groups gnomAD compares: African/African-American, 1.2%; 8 homozygotes.

Submissions (8):

CeGaT Center for Human Genetics Tuebingen
Classification: Likely benign. Last evaluated: 2026-03-01. Review status: criteria provided, single submitter. Criteria: CeGaT Center For Human Genetics Tuebingen Variant Classification Criteria Version 2. Collection method: clinical testing. Allele origin: germline. Affected: yes. Observed: 1 variant allele.
Comment: CNTNAP2: BP4, BP7, BS1

Labcorp Genetics (formerly Invitae), Labcorp
Classification: Benign for Cortical dysplasia-focal epilepsy syndrome. Last evaluated: 2026-01-21. Review status: criteria provided, single submitter. Criteria: Invitae Variant Classification Sherloc (09022015). Collection method: clinical testing. Allele origin: germline.

Blueprint Genetics
Classification: Likely benign. Last evaluated: 2024-11-27. Review status: criteria provided, single submitter. Criteria: ACMG Guidelines, 2015. Collection method: clinical testing. Allele origin: germline.

Mayo Clinic Laboratories, Mayo Clinic
Classification: Benign. Last evaluated: 2021-06-24. Review status: criteria provided, single submitter. Criteria: ACMG Guidelines, 2015. Collection method: clinical testing. Allele origin: germline. Observed: 3 variant alleles.

Illumina Laboratory Services, Illumina
Classification: Benign for Cortical dysplasia-focal epilepsy syndrome. Last evaluated: 2018-01-12. Review status: criteria provided, single submitter. Criteria: ICSL Variant Classification Criteria 13 December 2019. Collection method: clinical testing. Allele origin: germline.
Comment: This variant was observed in the ICSL laboratory as part of a predisposition screen in an ostensibly healthy population. It had not been previously curated by ICSL or reported in the Human Gene Mutation Database (HGMD: prior to June 1st, 2018), and was therefore a candidate for classification through an automated scoring system. Utilizing variant allele frequency, disease prevalence and penetrance estimates, and inheritance mode, an automated score was calculated to assess if this variant is too frequent to cause the disease. Based on the score and internal cut-off values, a variant classified as benign is not then subjected to further curation. The score for this variant resulted in a classification of benign for this disease.

Ambry Genetics
Classification: Likely benign for Inborn genetic diseases. Last evaluated: 2016-12-23. Review status: criteria provided, single submitter. Criteria: Ambry Variant Classification Scheme 2023. Collection method: clinical testing. Allele origin: germline.

Genetic Services Laboratory, University of Chicago
Classification: Uncertain significance. Last evaluated: 2014-11-24. Review status: criteria provided, single submitter. Criteria: ACMG Guidelines, 2015. Collection method: clinical testing. Allele origin: germline.

GeneDx
Classification: Benign. Last evaluated: 2013-01-31. Review status: criteria provided, single submitter. Criteria: GeneDx Variant Classification (06012015). Collection method: clinical testing. Allele origin: germline. Affected: yes.
Comment: This variant is considered likely benign or benign based on one or more of the following criteria: it is a conservative change, it occurs at a poorly conserved position in the protein, it is predicted to be benign by multiple in silico algorithms, and/or has population frequency not consistent with disease.

NM_014141.6(CNTNAP2):c.3675G>A (p.Ser1225=)

Gene: CNTNAP2 (contactin associated protein 2; plus strand). Cytogenetic location: 7q36.1.
Variant type: single nucleotide variant.
Coding change: c.3675G>A on transcript NM_014141.6 (MANE Select); coding-DNA position 3675, G replaced by A.
Protein change: p.Ser1225=; no amino-acid change (serine 1225 retained).
Molecular consequence: synonymous variant.
Genome position (GRCh38, 1-based): chr7:148,383,848, G>A. VCF-style: chr7-148383848-G-A. GRCh37 (hg19) VCF-style: chr7-148080940-G-A.
Other names: p.S1225S:TCG>TCA; p.Ser1225=.
Identifiers: ClinVar variation 136831 (VCV000136831.31), dbSNP rs142331907, ClinGen allele CA290193.